The following is an entry in ClinVar:

NM_001206927.2(DNAH8):c.5834A>C (p.Lys1945Thr)

Gene: DNAH8 (dynein axonemal heavy chain 8; plus strand). Cytogenetic location: 6p21.2.
Variant type: single nucleotide variant.
Coding change: c.5834A>C on transcript NM_001206927.2 (MANE Select); coding-DNA position 5834, A replaced by C.
Protein change: p.Lys1945Thr; replaces lysine 1945 with threonine.
Molecular consequence: missense variant.
Genome position (GRCh38, 1-based): chr6:38,857,618, A>C. VCF-style: chr6-38857618-A-C. GRCh37 (hg19) VCF-style: chr6-38825394-A-C.
Other names: c.5183A>C, p.Lys1728Thr (NM_001371.4); short protein forms K1945T, K1728T.
Identifiers: ClinVar variation 525392 (VCV000525392.6), dbSNP rs549839617, ClinGen allele CA3789492.

ClinVar aggregate classification (germline): Uncertain significance (1 of 4 stars; one submission).

Conditions:
Primary ciliary dyskinesia. Also called: Ciliary dyskinesia. Identifiers: Orphanet 244, MedGen C0008780, MONDO:0016575, HP:0012265.

Allele frequency attached by ClinVar (database versions not stated): ExAC 0.00001; gnomAD 0.00002 and 0.00004; gnomAD exomes 0.00002 and 0.00003; TOPMed 0.00005.
gnomAD v4.1: 49 of 1,613,752 alleles (0.003%); highest among the groups gnomAD compares: Non-Finnish European, 0.0036%; no homozygotes.

Submission:

Labcorp Genetics (formerly Invitae), Labcorp
Classification: Uncertain significance for Primary ciliary dyskinesia. Last evaluated: 2021-09-01. Review status: criteria provided, single submitter. Criteria: Invitae Variant Classification Sherloc (09022015). Collection method: clinical testing. Allele origin: germline.
Comment: This sequence change replaces lysine with threonine at codon 1945 of the DNAH8 protein (p.Lys1945Thr). The lysine residue is highly conserved and there is a moderate physicochemical difference between lysine and threonine. This variant is present in population databases (rs549839617, ExAC no frequency). This variant has not been reported in the literature in individuals affected with DNAH8-related conditions. Algorithms developed to predict the effect of missense changes on protein structure and function are either unavailable or do not agree on the potential impact of this missense change (SIFT: "Deleterious"; PolyPhen-2: "Not Available"; Align-GVGD: "Class C0"). In summary, the available evidence is currently insufficient to determine the role of this variant in disease. Therefore, it has been classified as a Variant of Uncertain Significance.